The following is an entry in ClinVar:

NM_006361.6(HOXB13):c.319G>C (p.Ala107Pro)

Gene: HOXB13 (homeobox B13; minus strand). Cytogenetic location: 17q21.32.
Variant type: single nucleotide variant.
Coding change: c.319G>C on transcript NM_006361.6 (MANE Select); coding-DNA position 319, G replaced by C.
Protein change: p.Ala107Pro; replaces alanine 107 with proline.
Molecular consequence: missense variant.
Genome position (GRCh38, 1-based): chr17:48,728,275, C>G on the plus strand (G>C on the coding strand, the complement: HOXB13 is on the minus strand). VCF-style: chr17-48728275-C-G. GRCh37 (hg19) VCF-style: chr17-46805637-C-G.
Other names: short protein forms A107P.
Identifiers: ClinVar variation 823160 (VCV000823160.13), dbSNP rs747755369, ClinGen allele CA8634015.

ClinVar aggregate classification (germline): Uncertain significance. Review status: criteria provided, multiple submitters, no conflicts (2 of 4 stars). 3 submissions from 3 submitters: Uncertain significance (3). Last evaluated 2025-12-18.

Conditions:
Prostate cancer, hereditary, 9 (HPC9). Identifiers: Orphanet 1331, MedGen C1970250, MONDO:0012597, OMIM 610997.
Hereditary cancer-predisposing syndrome. Also called: Hereditary Cancer Syndrome; Tumor predisposition; Neoplastic Syndromes, Hereditary; Hereditary neoplastic syndrome. Identifiers: Orphanet 140162, MedGen C0027672, MeSH D009386, MONDO:0015356.

Allele frequency attached by ClinVar (database versions not stated): gnomAD exomes 0.00003 and 0.00005; ExAC 0.00005; gnomAD 0.00001; TOPMed 0.00002.
gnomAD v4.1: 47 of 1,614,062 alleles (0.0029%); highest among the groups gnomAD compares: Middle Eastern, 0.033%; no homozygotes.

Submissions (3):

Ambry Genetics
Classification: Uncertain significance for Hereditary cancer-predisposing syndrome. Last evaluated: 2025-12-18. Review status: criteria provided, single submitter. Criteria: Ambry Variant Classification Scheme 2023. Collection method: clinical testing. Allele origin: germline.
Comment: The p.A107P variant (also known as c.319G>C), located in coding exon 1 of the HOXB13 gene, results from a G to C substitution at nucleotide position 319. The alanine at codon 107 is replaced by proline, an amino acid with highly similar properties. This amino acid position is not well conserved in available vertebrate species. In addition, this alteration is predicted to be tolerated by in silico analysis. Since supporting evidence is limited at this time, the clinical significance of this alteration remains unclear.

Labcorp Genetics (formerly Invitae), Labcorp
Classification: Uncertain significance. Last evaluated: 2025-12-16. Review status: criteria provided, single submitter. Criteria: Invitae Variant Classification Sherloc (09022015). Collection method: clinical testing. Allele origin: germline.
Comment: This sequence change replaces alanine, which is neutral and non-polar, with proline, which is neutral and non-polar, at codon 107 of the HOXB13 protein (p.Ala107Pro). This variant is present in population databases (rs747755369, gnomAD 0.03%). This variant has not been reported in the literature in individuals affected with HOXB13-related conditions. ClinVar contains an entry for this variant (Variation ID: 823160). Invitae Evidence Modeling of protein sequence and biophysical properties (such as structural, functional, and spatial information, amino acid conservation, physicochemical variation, residue mobility, and thermodynamic stability) indicates that this missense variant is not expected to disrupt HOXB13 protein function with a negative predictive value of 80%. In summary, the available evidence is currently insufficient to determine the role of this variant in disease. Therefore, it has been classified as a Variant of Uncertain Significance.

Department of Pathology and Laboratory Medicine, Sinai Health System
Classification: Uncertain significance for Prostate cancer, hereditary, 9. Last evaluated: 2024-03-25. Review status: criteria provided, single submitter. Criteria: ACMG Guidelines, 2015. Collection method: clinical testing. Allele origin: germline. Affected: yes.